The following is an entry in ClinVar:

ClinVar aggregate classification (germline): Uncertain significance (1 of 4 stars; one submission).

Conditions:
PRKAR1B-related disorder. Also called: PRKAR1B-related condition.

Allele frequency attached by ClinVar (database versions not stated): gnomAD exomes below 0.00001; gnomAD 0.00001.
gnomAD v4.1: 3 of 1,560,204 alleles (0.00019%); highest among the groups gnomAD compares: Non-Finnish European, 0.00026%; no homozygotes.

Submission:

PreventionGenetics, part of Exact Sciences
Classification: Uncertain significance for PRKAR1B-related condition. Last evaluated: 2023-02-18. Review status: criteria provided, single submitter. Criteria: ACMG Guidelines, 2015. Collection method: clinical testing. Allele origin: germline.
Comment: The PRKAR1B c.943G>A variant is predicted to result in the amino acid substitution p.Val315Met. To our knowledge, this variant has not been reported in the literature or in a large population database, indicating this variant is rare. At this time, the clinical significance of this variant is uncertain due to the absence of conclusive functional and genetic evidence.

NM_001164760.2(PRKAR1B):c.943G>A (p.Val315Met)

Gene: PRKAR1B (protein kinase cAMP-dependent type I regulatory subunit beta; minus strand). Cytogenetic location: 7p22.3.
Variant type: single nucleotide variant.
Coding change: c.943G>A on transcript NM_001164760.2 (MANE Select); coding-DNA position 943, G replaced by A.
Protein change: p.Val315Met; replaces valine 315 with methionine.
Molecular consequence: missense variant.
Genome position (GRCh38, 1-based): chr7:551,419, C>T on the plus strand (G>A on the coding strand, the complement: PRKAR1B is on the minus strand). VCF-style: chr7-551419-C-T. GRCh37 (hg19) VCF-style: chr7-591056-C-T.
Other names: c.943G>A, p.Val315Met (NM_001164758.2, NM_001164759.1, NM_001164761.2 and 2 more transcripts); short protein forms V315M.
Identifiers: ClinVar variation 2630642 (VCV002630642.1), dbSNP rs1784184342, ClinGen allele CA366536088.
Genomic context (GRCh38, chr7:551,419, plus strand): 5'-TGCGAGGGAGGGGACGCCCACTGGACTCACCGAAGTAGTCAGAGGGTCCCAGGCGCCCCA[C>T]CTCCACGTACTCCTCATTGGGGGACCGGCGCTGCAGCACGGACGCGGTGCCCTGTGGGTG-3'
Protein context (NP_001158232.1, residues 305-325): RRSPNEEYVE[Val315Met]GRLGPSDYFG